The following is an entry in ClinVar:

NM_005458.8(GABBR2):c.2504A>G (p.Asn835Ser)

Gene: GABBR2 (gamma-aminobutyric acid type B receptor subunit 2; minus strand). Cytogenetic location: 9q22.33.
Variant type: single nucleotide variant.
Coding change: c.2504A>G on transcript NM_005458.8 (MANE Select); coding-DNA position 2504, A replaced by G.
Protein change: p.Asn835Ser; replaces asparagine 835 with serine.
Molecular consequence: missense variant.
Genome position (GRCh38, 1-based): chr9:98,299,262, T>C on the plus strand (A>G on the coding strand, the complement: GABBR2 is on the minus strand). VCF-style: chr9-98299262-T-C. GRCh37 (hg19) VCF-style: chr9-101061544-T-C.
Other names: short protein forms N835S.
Identifiers: ClinVar variation 1915061 (VCV001915061.5), dbSNP rs1168207055, ClinGen allele CA374193462.

ClinVar aggregate classification (germline): Uncertain significance (1 of 4 stars; one submission).

Conditions:
Epileptic encephalopathy. Identifiers: MedGen C0543888, HP:0200134.

Allele frequency attached by ClinVar (database versions not stated): gnomAD exomes 0.00001; TOPMed 0.00001.
gnomAD v4.1: 12 of 1,614,114 alleles (0.00074%); highest among the groups gnomAD compares: Middle Eastern, 0.05%; no homozygotes.

Submission:

Labcorp Genetics (formerly Invitae), Labcorp
Classification: Uncertain significance for Epileptic encephalopathy. Last evaluated: 2024-05-26. Review status: criteria provided, single submitter. Criteria: Invitae Variant Classification Sherloc (09022015). Collection method: clinical testing. Allele origin: germline.
Comment: This sequence change replaces asparagine, which is neutral and polar, with serine, which is neutral and polar, at codon 835 of the GABBR2 protein (p.Asn835Ser). This variant is present in population databases (no rsID available, gnomAD 0.0009%). This variant has not been reported in the literature in individuals affected with GABBR2-related conditions. ClinVar contains an entry for this variant (Variation ID: 1915061). An algorithm developed to predict the effect of missense changes on protein structure and function (PolyPhen-2) suggests that this variant is likely to be tolerated. In summary, the available evidence is currently insufficient to determine the role of this variant in disease. Therefore, it has been classified as a Variant of Uncertain Significance.